The following is an entry in ClinVar:

NM_005188.4(CBL):c.1049C>T (p.Thr350Ile)

Gene: CBL (Cbl proto-oncogene; plus strand). Cytogenetic location: 11q23.3.
Variant type: single nucleotide variant.
Coding change: c.1049C>T on transcript NM_005188.4 (MANE Select); coding-DNA position 1049, C replaced by T.
Protein change: p.Thr350Ile; replaces threonine 350 with isoleucine.
Molecular consequence: missense variant.
Genome position (GRCh38, 1-based): chr11:119,277,798, C>T. VCF-style: chr11-119277798-C-T. GRCh37 (hg19) VCF-style: chr11-119148508-C-T.
Other names: short protein forms T350I.
Identifiers: ClinVar variation 2849507 (VCV002849507.3), dbSNP rs2496938158, ClinGen allele CA382911938.

ClinVar aggregate classification (germline): Uncertain significance (1 of 4 stars; one submission).

Conditions:
RASopathy. Also called: Noonan spectrum disorder; rasopathies. Identifiers: Orphanet 536391, MedGen C5555857, MONDO:0021060.

Allele frequency attached by ClinVar (database versions not stated): gnomAD exomes below 0.00001.
gnomAD v4.1: 1 of 1,613,958 alleles (0.000062%); highest among the groups gnomAD compares: Non-Finnish European, 0.000085%; no homozygotes.

Submission:

Labcorp Genetics (formerly Invitae), Labcorp
Classification: Uncertain significance for RASopathy. Last evaluated: 2024-12-16. Review status: criteria provided, single submitter. Criteria: Invitae Variant Classification Sherloc (09022015). Collection method: clinical testing. Allele origin: germline.
Comment: This sequence change replaces threonine, which is neutral and polar, with isoleucine, which is neutral and non-polar, at codon 350 of the CBL protein (p.Thr350Ile). This variant is not present in population databases (gnomAD no frequency). This variant has not been reported in the literature in individuals affected with CBL-related conditions. ClinVar contains an entry for this variant (Variation ID: 2849507). Invitae Evidence Modeling of protein sequence and biophysical properties (such as structural, functional, and spatial information, amino acid conservation, physicochemical variation, residue mobility, and thermodynamic stability) has been performed for this missense variant. However, the output from this modeling did not meet the statistical confidence thresholds required to predict the impact of this variant on CBL protein function. In summary, the available evidence is currently insufficient to determine the role of this variant in disease. Therefore, it has been classified as a Variant of Uncertain Significance.